The following is an entry in ClinVar:

NM_020247.5(COQ8A):c.1080+6C>T

Gene: COQ8A (coenzyme Q8A; plus strand). Cytogenetic location: 1q42.13.
Variant type: single nucleotide variant.
Coding change: c.1080+6C>T on transcript NM_020247.5 (MANE Select); 6 bases into the intron after coding-DNA position 1080, C replaced by T.
Molecular consequence: intron variant.
Genome position (GRCh38, 1-based): chr1:226,983,040, C>T. VCF-style: chr1-226983040-C-T. GRCh37 (hg19) VCF-style: chr1-227170741-C-T.
Identifiers: ClinVar variation 1943232 (VCV001943232.2), dbSNP rs750337173, ClinGen allele CA1425285.

ClinVar aggregate classification (germline): Uncertain significance (1 of 4 stars; one submission).

Allele frequency attached by ClinVar (database versions not stated): gnomAD 0.00002; gnomAD exomes 0.00002; TOPMed 0.00003; ExAC 0.00005.
gnomAD v4.1: 29 of 1,577,760 alleles (0.0018%); highest among the groups gnomAD compares: Middle Eastern, 0.021%; no homozygotes.

Submission:

Labcorp Genetics (formerly Invitae), Labcorp
Classification: Uncertain significance. Last evaluated: 2022-07-17. Review status: criteria provided, single submitter. Criteria: Invitae Variant Classification Sherloc (09022015). Collection method: clinical testing. Allele origin: germline.
Comment: This sequence change falls in intron 8 of the COQ8A gene. It does not directly change the encoded amino acid sequence of the COQ8A protein. It affects a nucleotide within the consensus splice site. The frequency data for this variant in the population databases is considered unreliable, as metrics indicate poor data quality at this position in the gnomAD database. This variant has not been reported in the literature in individuals affected with COQ8A-related conditions. Variants that disrupt the consensus splice site are a relatively common cause of aberrant splicing (PMID: 17576681, 9536098). Algorithms developed to predict the effect of sequence changes on RNA splicing suggest that this variant is not likely to affect RNA splicing. In summary, the available evidence is currently insufficient to determine the role of this variant in disease. Therefore, it has been classified as a Variant of Uncertain Significance.

Literature cited by the submitters: PubMed 17576681; PubMed 9536098.